The following is an entry in ClinVar:

ClinVar aggregate classification (germline): Likely benign (1 of 4 stars; one submission).

gnomAD v4.1: 30 of 1,614,028 alleles (0.0019%); highest among the groups gnomAD compares: Middle Eastern, 0.016%; no homozygotes.

Submission:

CeGaT Center for Human Genetics Tuebingen
Classification: Likely benign. Last evaluated: 2025-02-01. Review status: criteria provided, single submitter. Criteria: CeGaT Center For Human Genetics Tuebingen Variant Classification Criteria Version 2. Collection method: clinical testing. Allele origin: germline. Affected: yes. Observed: 1 variant allele.
Comment: ZMYND11: BP4, BP7

NM_001370100.5(ZMYND11):c.1002G>A (p.Arg334=)

Gene: ZMYND11 (zinc finger MYND-type containing 11; plus strand). Cytogenetic location: 10p15.3.
Variant type: single nucleotide variant.
Coding change: c.1002G>A on transcript NM_001370100.5 (MANE Select); coding-DNA position 1002, G replaced by A.
Protein change: p.Arg334=; no amino-acid change (arginine 334 retained).
Molecular consequence: synonymous variant. On other transcripts: non-coding transcript variant (1).
Genome position (GRCh38, 1-based): chr10:246,817, G>A. VCF-style: chr10-246817-G-A. GRCh37 (hg19) VCF-style: chr10-292757-G-A.
Other names: c.840G>A, p.Arg280= (NM_001202464.3, NM_001202467.1, NM_001370103.2 and 6 more transcripts); c.747G>A, p.Arg249= (NM_001202465.3, NM_001370110.2); c.837G>A, p.Arg279= (NM_001202466.3, NM_001370111.2); c.1002G>A, p.Arg334= (NM_001202468.1, NM_001370097.3, NM_001370098.2 and 5 more transcripts); c.951G>A, p.Arg317= (NM_001330057.3, NM_001370112.2); c.909G>A, p.Arg303= (NM_001370113.2, NM_001370114.2); c.999G>A, p.Arg333= (NM_001370115.2, NM_212479.4); c.936G>A, p.Arg312= (NM_001370116.2); and 7 more.
Identifiers: ClinVar variation 3771433 (VCV003771433.13).